The following is an entry in ClinVar:

NM_006766.5(KAT6A):c.4956A>G (p.Pro1652=)

Gene: KAT6A (lysine acetyltransferase 6A; minus strand). Cytogenetic location: 8p11.21.
Variant type: single nucleotide variant.
Coding change: c.4956A>G on transcript NM_006766.5 (MANE Select); coding-DNA position 4956, A replaced by G.
Protein change: p.Pro1652=; no amino-acid change (proline 1652 retained).
Molecular consequence: synonymous variant.
Genome position (GRCh38, 1-based): chr8:41,933,264, T>C on the plus strand (A>G on the coding strand, the complement: KAT6A is on the minus strand). VCF-style: chr8-41933264-T-C. GRCh37 (hg19) VCF-style: chr8-41790782-T-C.
Identifiers: ClinVar variation 589069 (VCV000589069.39), dbSNP rs201475966, ClinGen allele CA4729398.

ClinVar aggregate classification (germline): Benign/Likely benign. Review status: criteria provided, multiple submitters, no conflicts (2 of 4 stars). 5 submissions from 5 submitters: Benign (2); Likely benign (3). Last evaluated 2026-07-01.

Conditions:
Inborn genetic diseases. Identifiers: MedGen C0950123, MeSH D030342.

Allele frequency attached by ClinVar (database versions not stated): ExAC 0.00070; gnomAD exomes 0.00079 and 0.00052; 1000 Genomes Project 0.00140; gnomAD 0.00045 and 0.00046; TOPMed 0.00045; ESP Exome Variant Server 0.00048.
gnomAD v4.1: 1,171 of 1,552,318 alleles (0.075%); highest among the groups gnomAD compares: Non-Finnish European, 0.095%; 2 homozygotes.

Submissions (5):

CeGaT Center for Human Genetics Tuebingen
Classification: Likely benign. Last evaluated: 2026-07-01. Review status: criteria provided, single submitter. Criteria: CeGaT Center For Human Genetics Tuebingen Variant Classification Criteria Version 2. Collection method: clinical testing. Allele origin: germline. Affected: yes. Observed: 3 variant alleles.
Comment: KAT6A: BP4, BP7

Labcorp Genetics (formerly Invitae), Labcorp
Classification: Benign. Last evaluated: 2026-02-04. Review status: criteria provided, single submitter. Criteria: Invitae Variant Classification Sherloc (09022015). Collection method: clinical testing. Allele origin: germline.

Blueprint Genetics
Classification: Likely benign. Last evaluated: 2024-11-27. Review status: criteria provided, single submitter. Criteria: ACMG Guidelines, 2015. Collection method: clinical testing. Allele origin: germline.

GeneDx
Classification: Benign. Last evaluated: 2019-07-18. Review status: criteria provided, single submitter. Criteria: GeneDx Variant Classification Process June 2021. Collection method: clinical testing. Allele origin: germline. Affected: yes.

Ambry Genetics
Classification: Likely benign for Inborn genetic diseases. Last evaluated: 2017-05-18. Review status: criteria provided, single submitter. Criteria: Ambry Variant Classification Scheme 2023. Collection method: clinical testing. Allele origin: germline.